The following is an entry in ClinVar:

ClinVar aggregate classification (germline): Likely benign. Review status: criteria provided, multiple submitters, no conflicts (2 of 4 stars). 2 submissions from 2 submitters: Likely benign (2). Last evaluated 2025-11-24.

Conditions:
C1QBP-related disorder. Also called: C1QBP-related condition.

gnomAD v4.1: 1 of 1,614,126 alleles (0.000062%); highest among the groups gnomAD compares: Non-Finnish European, 0.000085%; no homozygotes.

Submissions (2):

PreventionGenetics, part of Exact Sciences
Classification: Likely benign for C1QBP-related condition. Last evaluated: 2025-11-24. Review status: criteria provided, single submitter. Criteria: ACMG Guidelines, 2015. Collection method: clinical testing. Allele origin: germline.
Comment: This variant is classified as likely benign based on ACMG/AMP sequence variant interpretation guidelines (Richards et al. 2015 PMID: 25741868, with internal and published modifications).

Labcorp Genetics (formerly Invitae), Labcorp
Classification: Likely benign. Last evaluated: 2025-10-14. Review status: criteria provided, single submitter. Criteria: Invitae Variant Classification Sherloc (09022015). Collection method: clinical testing. Allele origin: germline.

NM_001212.4(C1QBP):c.294G>A (p.Lys98=)

Gene: C1QBP (complement C1q binding protein; minus strand). Cytogenetic location: 17p13.2.
Variant type: single nucleotide variant.
Coding change: c.294G>A on transcript NM_001212.4 (MANE Select); coding-DNA position 294, G replaced by A.
Protein change: p.Lys98=; no amino-acid change (lysine 98 retained).
Molecular consequence: synonymous variant.
Genome position (GRCh38, 1-based): chr17:5,438,212, C>T on the plus strand (G>A on the coding strand, the complement: C1QBP is on the minus strand). VCF-style: chr17-5438212-C-T. GRCh37 (hg19) VCF-style: chr17-5341532-C-T.
Other names: c.294G>A (NM_001212.3).
Identifiers: ClinVar variation 4701084 (VCV004701084.2).